The following is an entry in ClinVar:

ClinVar aggregate classification (germline): Pathogenic. Review status: criteria provided, multiple submitters, no conflicts (2 of 4 stars). 2 submissions from 2 submitters: Pathogenic (2). Last evaluated 2025-09-19.

Conditions:
Legius syndrome. Identifiers: Orphanet 137605, MedGen C1969623, MONDO:0012669, OMIM 611431. Disease mechanism: loss of function.
Cardiovascular phenotype. Identifiers: MedGen CN230736.

Submissions (2):

Ambry Genetics
Classification: Pathogenic for Cardiovascular phenotype. Last evaluated: 2025-09-19. Review status: criteria provided, single submitter. Criteria: Ambry Variant Classification Scheme 2023. Collection method: clinical testing. Allele origin: germline.
Comment: The p.S381* pathogenic mutation (also known as c.1142C>G), located in coding exon 7 of the SPRED1 gene, results from a C to G substitution at nucleotide position 1142. This changes the amino acid from a serine to a stop codon within coding exon 7. This alteration occurs at the 3' terminus of the gene, is not expected to trigger nonsense-mediated mRNA decay, and impacts the last 14.4% of the protein. However, premature stop codons are typically deleterious in nature and a significant portion of the protein is affected (Ambry internal data). This variant was reported in individual(s) with features consistent with Legius syndrome (Ambry internal data). This variant is considered to be rare based on population cohorts in the Genome Aggregation Database (gnomAD). Based on the supporting evidence, this variant is interpreted as a disease-causing mutation.

Labcorp Genetics (formerly Invitae), Labcorp
Classification: Pathogenic for Legius syndrome. Last evaluated: 2022-07-20. Review status: criteria provided, single submitter. Criteria: Invitae Variant Classification Sherloc (09022015). Collection method: clinical testing. Allele origin: germline.
Comment: This variant disrupts a region of the SPRED1 protein in which other variant(s) (p.Cys418Alafs*6) have been determined to be pathogenic (PMID: 19920235; Invitae). This suggests that this is a clinically significant region of the protein, and that variants that disrupt it are likely to be disease-causing. This variant has not been reported in the literature in individuals affected with SPRED1-related conditions. This variant is not present in population databases (gnomAD no frequency). This sequence change creates a premature translational stop signal (p.Ser381*) in the SPRED1 gene. While this is not anticipated to result in nonsense mediated decay, it is expected to disrupt the last 64 amino acid(s) of the SPRED1 protein. For these reasons, this variant has been classified as Pathogenic.

Literature cited by the submitters: PubMed 19920235 (cited by Labcorp Genetics (formerly Invitae), Labcorp).

NM_152594.3(SPRED1):c.1142C>G (p.Ser381Ter)

Gene: SPRED1 (sprouty related EVH1 domain containing 1; plus strand). Cytogenetic location: 15q14.
Variant type: single nucleotide variant.
Coding change: c.1142C>G on transcript NM_152594.3 (MANE Select); coding-DNA position 1142, C replaced by G.
Protein change: p.Ser381Ter; replaces serine 381 with a stop codon.
Molecular consequence: nonsense.
Genome position (GRCh38, 1-based): chr15:38,351,471, C>G. VCF-style: chr15-38351471-C-G. GRCh37 (hg19) VCF-style: chr15-38643672-C-G.
Other names: c.1142C>G (NM_152594.2); short protein forms S381*.
Identifiers: ClinVar variation 1992811 (VCV001992811.5), dbSNP rs2542744037, ClinGen allele CA391934306.